The following is an entry in ClinVar:

NM_133433.4(NIPBL):c.6765G>A (p.Trp2255Ter)

Gene: NIPBL (NIPBL cohesin loading factor; plus strand). Cytogenetic location: 5p13.2.
Variant type: single nucleotide variant.
Coding change: c.6765G>A on transcript NM_133433.4 (MANE Select); coding-DNA position 6765, G replaced by A.
Protein change: p.Trp2255Ter; replaces tryptophan 2255 with a stop codon.
Molecular consequence: nonsense.
Genome position (GRCh38, 1-based): chr5:37,049,112, G>A. VCF-style: chr5-37049112-G-A. GRCh37 (hg19) VCF-style: chr5-37049214-G-A.
Other names: c.6765G>A, p.Trp2255Ter (NM_015384.5); short protein forms W2255*.
Identifiers: ClinVar variation 3377111 (VCV003377111.1).

ClinVar aggregate classification (germline): Pathogenic (1 of 4 stars; one submission).

Conditions:
Cornelia de Lange syndrome 1 (CDLS1). Also called: TYPUS DEGENERATIVUS AMSTELODAMENSIS; Brachmann de Lange syndrome; NIPBL-Related Cornelia de Lange Syndrome. Identifiers: Orphanet 199, MedGen C4551851, MONDO:0007387, OMIM 122470.

Submission:

Victorian Clinical Genetics Services, Murdoch Childrens Research Institute
Classification: Pathogenic for Cornelia de Lange syndrome 1. Last evaluated: 2024-10-09. Review status: criteria provided, single submitter. Criteria: ACMG Guidelines, 2015. Collection method: clinical testing. Allele origin: germline. Inheritance: Autosomal dominant inheritance. Affected: yes.
Comment: Based on the classification scheme VCGS_Germline_v1.3.4, this variant is classified as Pathogenic. Following criteria are met: 0102 - Loss of function is a known mechanism of disease in this gene and is associated with Cornelia de Lange syndrome 1 (MIM#122470). (I) 0107 - This gene is associated with autosomal dominant disease. (I) 0201 - Variant is predicted to cause nonsense-mediated decay (NMD) and loss of protein (premature termination codon is located at least 54 nucleotides upstream of the final exon-exon junction). (SP) 0251 - This variant is heterozygous. (I) 0301 - Variant is absent from gnomAD (both v2 and v3). (SP) 0701 - Other variants also predicted to result in NMD have very strong previous evidence for pathogenicity in individuals with Cornelia de Lange syndrome 1 (DECIPHER). (SP) 0807 - This variant has no previous evidence of pathogenicity. (I) 0905 - No published segregation evidence has been identified for this variant. (I) 1007 - No published functional evidence has been identified for this variant. (I) 1101 - Very strong and specific phenotype match for this individual. (SP) Legend: (SP) - Supporting pathogenic, (I) - Information, (SB) - Supporting benign